The following is an entry in ClinVar:

NM_017763.6(RNF43):c.425C>T (p.Thr142Ile)

Gene: RNF43 (ring finger protein 43; minus strand). Cytogenetic location: 17q22.
Variant type: single nucleotide variant.
Coding change: c.425C>T on transcript NM_017763.6 (MANE Select); coding-DNA position 425, C replaced by T.
Protein change: p.Thr142Ile; replaces threonine 142 with isoleucine.
Molecular consequence: missense variant.
Genome position (GRCh38, 1-based): chr17:58,363,551, G>A on the plus strand (C>T on the coding strand, the complement: RNF43 is on the minus strand). VCF-style: chr17-58363551-G-A. GRCh37 (hg19) VCF-style: chr17-56440912-G-A.
Other names: c.425C>T, p.Thr142Ile (NM_001305544.3); c.44C>T, p.Thr15Ile (NM_001305545.2); short protein forms T142I, T15I.
Identifiers: ClinVar variation 1366682 (VCV001366682.8), dbSNP rs1388906948, ClinGen allele CA400339149.
Genomic context (GRCh38, chr17:58,363,551, plus strand): 5'-GCCCCCACCTTGAACACGCAAATGTCCCTGGGTACCTGCTCAGCAGCAGCTCGATCCTCA[G>A]TGATGTCAAAGAGGACAGCACTGGCTCCTCGCTCACCCGCCATCCGAGCCTGCAGAGGCA-3'
Protein context (NP_060233.3, residues 132-152): RGASAVLFDI[Thr142Ile]EDRAAAEQLQ

ClinVar aggregate classification (germline): Uncertain significance (1 of 4 stars; one submission).

Submission:

Labcorp Genetics (formerly Invitae), Labcorp
Classification: Uncertain significance. Last evaluated: 2021-04-10. Review status: criteria provided, single submitter. Criteria: Invitae Variant Classification Sherloc (09022015). Collection method: clinical testing. Allele origin: germline.
Comment: In summary, the available evidence is currently insufficient to determine the role of this variant in disease. Therefore, it has been classified as a Variant of Uncertain Significance. Algorithms developed to predict the effect of missense changes on protein structure and function are either unavailable or do not agree on the potential impact of this missense change (SIFT: "Deleterious"; PolyPhen-2: "Probably Damaging"; Align-GVGD: "Class C0"). This variant has not been reported in the literature in individuals with RNF43-related conditions. This variant is not present in population databases (ExAC no frequency). This sequence change replaces threonine with isoleucine at codon 142 of the RNF43 protein (p.Thr142Ile). The threonine residue is moderately conserved and there is a moderate physicochemical difference between threonine and isoleucine.